The following is an entry in ClinVar:

NM_020831.6(MRTFA):c.2013C>T (p.Leu671=)

Gene: MRTFA (myocardin related transcription factor A; minus strand). Cytogenetic location: 22q13.1.
Variant type: single nucleotide variant.
Coding change: c.2013C>T on transcript NM_020831.6 (MANE Select); coding-DNA position 2013, C replaced by T.
Protein change: p.Leu671=; no amino-acid change (leucine 671 retained).
Molecular consequence: synonymous variant.
Genome position (GRCh38, 1-based): chr22:40,418,725, G>A on the plus strand (C>T on the coding strand, the complement: MRTFA is on the minus strand). VCF-style: chr22-40418725-G-A. GRCh37 (hg19) VCF-style: chr22-40814729-G-A.
Other names: c.1713C>T, p.Leu571= (NM_001282660.2); c.1863C>T, p.Leu621= (NM_001282661.3); c.2013C>T, p.Leu671= (NM_001282662.3); c.1818C>T, p.Leu606= (NM_001318139.2); c.1713C>T (NM_020831.4).
Identifiers: ClinVar variation 2190324 (VCV002190324.5), dbSNP rs768292132, ClinGen allele CA10249468.

ClinVar aggregate classification (germline): Likely benign. Review status: criteria provided, multiple submitters, no conflicts (2 of 4 stars). 2 submissions from 2 submitters: Likely benign (2). Last evaluated 2025-11-25.

Conditions:
MRTFA-related disorder. Also called: MRTFA-related condition.

Allele frequency attached by ClinVar (database versions not stated): gnomAD exomes 0.00003; gnomAD 0.00005.
gnomAD v4.1: 46 of 1,469,758 alleles (0.0031%); highest among the groups gnomAD compares: African/African-American, 0.013%; no homozygotes.

Submissions (2):

PreventionGenetics, part of Exact Sciences
Classification: Likely benign for MRTFA-related condition. Last evaluated: 2025-11-25. Review status: criteria provided, single submitter. Criteria: ACMG Guidelines, 2015. Collection method: clinical testing. Allele origin: germline.
Comment: This variant is classified as likely benign based on ACMG/AMP sequence variant interpretation guidelines (Richards et al. 2015 PMID: 25741868, with internal and published modifications).

Labcorp Genetics (formerly Invitae), Labcorp
Classification: Likely benign. Last evaluated: 2025-11-04. Review status: criteria provided, single submitter. Criteria: Invitae Variant Classification Sherloc (09022015). Collection method: clinical testing. Allele origin: germline.